The following is an entry in ClinVar:

NM_012186.3(FOXE3):c.218_237del (p.Pro73fs)

Genes: FOXE3 (forkhead box E3; plus strand), LINC01389 (long independently transcribed non-coding RNA 1389; minus strand). Cytogenetic location: 1p33.
Variant type: Deletion.
Coding change: c.218_237del on transcript NM_012186.3 (MANE Select); coding-DNA positions 218 to 237, 20 bases deleted (CCTACTCGTACATCGCGCTC).
Protein change: p.Pro73fs; shifts the reading frame from proline 73.
Molecular consequence: frameshift variant.
Genome position (GRCh38, 1-based): chr1:47,416,533-47,416,552, CCTACTCGTACATCGCGCTC deleted; deleting any 20 consecutive bases within chr1:47,416,532-47,416,552 gives the same sequence; the c. name uses the placement nearest the transcript's 3' end. VCF-style (leftmost placement, unchanged base first): chr1-47416531-GCCCTACTCGTACATCGCGCT-G. GRCh37 (hg19) VCF-style: chr1-47882203-GCCCTACTCGTACATCGCGCT-G.
Other names: short protein forms P73fs.
Identifiers: ClinVar variation 4614221 (VCV004614221.2).

ClinVar aggregate classification (germline): Conflicting classifications of pathogenicity. Review status: criteria provided, conflicting classifications (1 of 4 stars). 2 submissions from 2 submitters: Pathogenic (1); Uncertain significance (1). Last evaluated 2025-10-29.

Conditions:
Cardiovascular phenotype. Identifiers: MedGen CN230736.
Anterior segment dysgenesis. Also called: Ocular anterior segment dysgenesis. Identifiers: Orphanet 88632, MedGen C1862839, MONDO:0019503, HP:0007700.
Congenital primary aphakia. Also called: Anterior segment dysgenesis 2, multiple subtypes; ANTERIOR SEGMENT DYSGENESIS 2. Identifiers: Orphanet 83461, MedGen C1853230, MONDO:0012456, OMIM 610256.

Submissions (2):

Ambry Genetics
Classification: Uncertain significance for Cardiovascular phenotype. Last evaluated: 2025-10-29. Review status: criteria provided, single submitter. Criteria: Ambry Variant Classification Scheme 2023. Collection method: clinical testing. Allele origin: germline.
Comment: The c.218_237del20 variant, located in coding exon 1 of the FOXE3 gene, results from a deletion of 20 nucleotides at nucleotide positions 218 to 237, causing a translational frameshift with a predicted alternate stop codon (p.P73Hfs*205). This alteration is not expected to trigger nonsense-mediated mRNA decay, and impacts the last 77% of the protein. However, premature stop codons are typically deleterious in nature and a significant portion of the protein is affected (Ambry internal data). Although biallelic loss of function of FOXE3 has been associated with autosomal recessive FOXE3-related ocular developmental disorder, haploinsufficiency of FOXE3 has not been established as a mechanism of disease for autosomal dominant FOXE3-related ocular developmental disorder or thoracic aortic aneurysm and dissection. Based on the supporting evidence, this variant is expected to be causative of autosomal recessive FOXE3-related ocular developmental disorder when present along with a second pathogenic variant on the other allele; however, its clinical significance for autosomal dominant FOXE3-related ocular developmental disorder and thoracic aortic aneurysm and dissection is unclear.

Labcorp Genetics (formerly Invitae), Labcorp
Classification: Pathogenic for Anterior segment dysgenesis; Congenital primary aphakia. Last evaluated: 2025-06-18. Review status: criteria provided, single submitter. Criteria: Invitae Variant Classification Sherloc (09022015). Collection method: clinical testing. Allele origin: germline.
Comment: This sequence change creates a premature translational stop signal (p.Pro73Hisfs*205) in the FOXE3 gene. While this is not anticipated to result in nonsense mediated decay, it is expected to disrupt the last 247 amino acid(s) of the FOXE3 protein. This variant is not present in population databases (gnomAD no frequency). This variant has not been reported in the literature in individuals affected with FOXE3-related conditions. This variant disrupts a region of the FOXE3 protein in which other variant(s) (p.Cys240*) have been determined to be pathogenic (PMID: 16826526, 20140963, 24033328). This suggests that this is a clinically significant region of the protein, and that variants that disrupt it are likely to be disease-causing. For these reasons, this variant has been classified as Pathogenic.

Literature cited by the submitters: PubMed 16826526 (cited by Labcorp Genetics (formerly Invitae), Labcorp); PubMed 20140963 (cited by Labcorp Genetics (formerly Invitae), Labcorp); PubMed 24033328 (cited by Labcorp Genetics (formerly Invitae), Labcorp).